The following is an entry in ClinVar:

NC_000023.10:g.(?_25022767)_(25033874_?)dup

Genes: ARX (aristaless related homeobox; minus strand), LOC109610631 (aristaless related homeobox polyalanine expansion region; plus strand). Cytogenetic location: Xp21.3.
Variant type: Duplication.
Identifiers: ClinVar variation 540227 (VCV000540227.2).

ClinVar aggregate classification (germline): Uncertain significance (1 of 4 stars; one submission).

Conditions:
Developmental and epileptic encephalopathy, 1 (DEE1). Also called: OHTAHARA SYNDROME, X-LINKED; Epileptic encephalopathy, early infantile, 1; X-linked infantile spasms; West's syndrome; Tonic spasms with clustering, arrest of psychomotor development and hypsarrhythmia on EEG; X-Linked Infantile Spasm Syndrome. Identifiers: MedGen C3463992, MONDO:0010632, OMIM 308350. Disease mechanism: loss of function.
Intellectual disability, X-linked, with or without seizures, ARX-related. Also called: Mental retardation, X-linked 52; INTELLECTUAL DEVELOPMENTAL DISORDER, X-LINKED 29; MENTAL RETARDATION, X-LINKED 29; MENTAL RETARDATION, X-LINKED 32; MENTAL RETARDATION, X-LINKED 33; MENTAL RETARDATION, X-LINKED 38. Identifiers: Orphanet 777, MedGen C0796244, MONDO:0010317, OMIM 300419.

Submission:

Labcorp Genetics (formerly Invitae), Labcorp
Classification: Uncertain significance for Epileptic encephalopathy, early infantile, 1; Mental retardation, with or without seizures, ARX-related, X-linked. Last evaluated: 2019-08-30. Review status: criteria provided, single submitter. Criteria: Invitae Variant Classification Sherloc (09022015). Collection method: clinical testing. Allele origin: germline.
Comment: This variant results in a copy number gain of the genomic region encompassing the full coding sequence of the ARX gene. The boundaries of this event are unknown as they extend beyond the assayed region for this gene and therefore may encompass additional genes. As the precise location of this event is unknown, it may be in tandem or it may be located elsewhere in the genome. Isolated whole-gene copy number gains of ARX have not been reported in the literature. However, larger copy number events that include this gene have been reported (PMID: 24643514, 26337422). In summary, the available evidence is currently insufficient to determine the role of this variant in disease. Therefore, it has been classified as a Variant of Uncertain Significance.

Literature cited by the submitters: PubMed 26337422; PubMed 24643514.